The following is an entry in ClinVar:

NM_014339.7(IL17RA):c.-8G>C

Genes: IL17RA (interleukin 17 receptor A; plus strand), LOC130066894 (ATAC-STARR-seq lymphoblastoid silent region 13430; plus strand). Cytogenetic location: 22q11.1.
Variant type: single nucleotide variant.
Coding change: c.-8G>C on transcript NM_014339.7 (MANE Select); 8 bases upstream of the start codon, G replaced by C.
Molecular consequence: 5 prime UTR variant.
Genome position (GRCh38, 1-based): chr22:17,085,084, G>C. VCF-style: chr22-17085084-G-C. GRCh37 (hg19) VCF-style: chr22-17565974-G-C.
Other names: c.-8G>C (NM_001289905.2).
Identifiers: ClinVar variation 340561 (VCV000340561.15), dbSNP rs917865, ClinGen allele CA10086203.

ClinVar aggregate classification (germline): Benign/Likely benign. Review status: criteria provided, multiple submitters, no conflicts (2 of 4 stars). 6 submissions from 6 submitters: Benign (5); Likely benign (1). Last evaluated 2024-11-28.

Conditions:
Immunodeficiency 51 (IMD51). Also called: CANDIDIASIS, FAMILIAL, 5. Identifiers: Orphanet 1334, MedGen C4310803, MONDO:0013500, OMIM 613953.

Allele frequency attached by ClinVar (database versions not stated): 1000 Genomes Project 30x 0.77202; 1000 Genomes Project 0.77476; gnomAD exomes 0.80363 and 0.80432; ExAC 0.80657; TOPMed 0.82107; gnomAD 0.83257 and 0.84062.
gnomAD v4.1: 1,061,909 of 1,315,154 alleles (81%); highest among the groups gnomAD compares: African/African-American, 96%; 430,895 homozygotes.

Submissions (6):

Blueprint Genetics
Classification: Likely benign. Last evaluated: 2024-11-28. Review status: criteria provided, single submitter. Criteria: ACMG Guidelines, 2015. Collection method: clinical testing. Allele origin: germline.

Unidad de Genómica Garrahan, Hospital de Pediatría Garrahan
Classification: Benign. Last evaluated: 2024-01-24. Review status: criteria provided, single submitter. Criteria: ACMG Guidelines, 2015. Collection method: clinical testing. Allele origin: germline. Affected: no. Observed: 86 variant alleles.
Comment: This variant is classified as Benign based on local population frequency. This variant was detected in 91% of patients studied by a panel of primary immunodeficiencies. Number of patients: 86. Only high quality variants are reported.

Mayo Clinic Laboratories, Mayo Clinic
Classification: Benign. Last evaluated: 2022-09-06. Review status: criteria provided, single submitter. Criteria: ACMG Guidelines, 2015. Collection method: clinical testing. Allele origin: germline. Observed: 101 variant alleles.

Genome-Nilou Lab
Classification: Benign for Immunodeficiency 51. Last evaluated: 2021-08-19. Review status: criteria provided, single submitter. Criteria: ACMG Guidelines, 2015. Collection method: clinical testing. Allele origin: germline. Affected: no.

Laboratory for Molecular Medicine, Mass General Brigham Personalized Medicine
Classification: Benign. Last evaluated: 2016-03-29. Review status: criteria provided, single submitter. Criteria: LMM Criteria. Collection method: clinical testing. Allele origin: germline.
Comment: Variant identified in a genome or exome case(s) and assessed due to predicted null impact of the variant or pathogenic assertions in the literature or databases. Disclaimer: This variant has not undergone full assessment. The following are preliminary notes: Frequency

Breakthrough Genomics
Classification: Benign. Review status: criteria provided, single submitter. Criteria: ACMG Guidelines, 2015. Collection method: not provided. Allele origin: germline. Inheritance: Autosomal recessive inheritance. Affected: yes.